The following is an entry in ClinVar:

ClinVar aggregate classification (germline): Uncertain significance (1 of 4 stars; one submission).

Conditions:
Hypertrophic cardiomyopathy 2. Also called: TNNT2-Related Familial Hypertrophic Cardiomyopathy. Identifiers: MedGen C1861864, MONDO:0007266, OMIM 115195.
Dilated cardiomyopathy 1D. Identifiers: Orphanet 154, Orphanet 54260, MedGen C1832243, MONDO:0011095, OMIM 601494.
Cardiomyopathy, familial restrictive, 3. Identifiers: Orphanet 75249, MedGen C2676271, MONDO:0012900, OMIM 612422.

gnomAD v4.1: 1 of 1,614,128 alleles (0.000062%); highest among the groups gnomAD compares: African/African-American, 0.0013%; no homozygotes.

Submission:

Labcorp Genetics (formerly Invitae), Labcorp
Classification: Uncertain significance for Cardiomyopathy, familial restrictive, 3; Hypertrophic cardiomyopathy 2; Dilated cardiomyopathy 1D. Last evaluated: 2021-02-18. Review status: criteria provided, single submitter. Criteria: Invitae Variant Classification Sherloc (09022015). Collection method: clinical testing. Allele origin: germline.
Comment: In summary, the available evidence is currently insufficient to determine the role of this variant in disease. Therefore, it has been classified as a Variant of Uncertain Significance. Algorithms developed to predict the effect of missense changes on protein structure and function output the following: SIFT: "Tolerated"; PolyPhen-2: "Not Available"; Align-GVGD: "Class C0". The valine amino acid residue is found in multiple mammalian species, suggesting that this missense change does not adversely affect protein function. These predictions have not been confirmed by published functional studies and their clinical significance is uncertain. This variant has not been reported in the literature in individuals with TNNT2-related disease. This variant is not present in population databases (ExAC no frequency). This sequence change replaces isoleucine with valine at codon 4 of the TNNT2 protein (p.Ile4Val). The isoleucine residue is weakly conserved and there is a small physicochemical difference between isoleucine and valine.

NM_001276345.2(TNNT2):c.10A>G (p.Ile4Val)

Gene: TNNT2 (troponin T2, cardiac type; minus strand). Cytogenetic location: 1q32.1.
Variant type: single nucleotide variant.
Coding change: c.10A>G on transcript NM_001276345.2 (MANE Select); coding-DNA position 10, A replaced by G.
Protein change: p.Ile4Val; replaces isoleucine 4 with valine.
Molecular consequence: missense variant.
Genome position (GRCh38, 1-based): chr1:201,373,245, T>C on the plus strand (A>G on the coding strand, the complement: TNNT2 is on the minus strand). VCF-style: chr1-201373245-T-C. GRCh37 (hg19) VCF-style: chr1-201342373-T-C.
Other names: c.10A>G, p.Ile4Val (NM_000364.4, NM_001001430.3, NM_001001431.3 and 3 more transcripts); short protein forms I4V.
Identifiers: ClinVar variation 572499 (VCV000572499.9), dbSNP rs139705141, ClinGen allele CA344209079.